The following is an entry in ClinVar:

NM_004628.5(XPC):c.2748G>A (p.Leu916=)

Gene: XPC (XPC complex subunit, DNA damage recognition and repair factor; minus strand). Cytogenetic location: 3p25.1.
Variant type: single nucleotide variant.
Coding change: c.2748G>A on transcript NM_004628.5 (MANE Select); coding-DNA position 2748, G replaced by A.
Protein change: p.Leu916=; no amino-acid change (leucine 916 retained).
Molecular consequence: synonymous variant. On other transcripts: non-coding transcript variant (2).
Genome position (GRCh38, 1-based): chr3:14,146,016, C>T on the plus strand (G>A on the coding strand, the complement: XPC is on the minus strand). VCF-style: chr3-14146016-C-T. GRCh37 (hg19) VCF-style: chr3-14187516-C-T.
Other names: c.2169G>A, p.Leu723= (NM_001354726.2); c.2742G>A, p.Leu914= (NM_001354727.2); c.2730G>A, p.Leu910= (NM_001354729.2); c.2502G>A, p.Leu834= (NM_001354730.2).
Identifiers: ClinVar variation 2653580 (VCV002653580.25), dbSNP rs1312269358, ClinGen allele CA432559941.
Genomic context (GRCh38, chr3:14,146,016, plus strand): 5'-TGGGAACAGGTGGGAAGCTGCTGCTTTCTTTTCCCTTTTGGTCTTCTTGGGCCCACCCTT[C>T]AGCTTCTGCTTTTCTTCATCTTCTCGGTTTTGAGGCCAGGAGGCAGCCAGTATCCTGGCC-3'
Protein context (NP_004619.3, residues 906-926): QNREDEEKQK[Leu916=]KGGPKKTKRE

ClinVar aggregate classification (germline): Likely benign. Review status: criteria provided, multiple submitters, no conflicts (2 of 4 stars). 2 submissions from 2 submitters: Likely benign (2). Last evaluated 2025-12-16.

Allele frequency attached by ClinVar (database versions not stated): gnomAD exomes below 0.00001.
gnomAD v4.1: 1 of 1,612,570 alleles (0.000062%); highest among the groups gnomAD compares: Non-Finnish European, 0.000085%; no homozygotes.

Submissions (2):

Labcorp Genetics (formerly Invitae), Labcorp
Classification: Likely benign. Last evaluated: 2025-12-16. Review status: criteria provided, single submitter. Criteria: Invitae Variant Classification Sherloc (09022015). Collection method: clinical testing. Allele origin: germline.

CeGaT Center for Human Genetics Tuebingen
Classification: Likely benign. Last evaluated: 2022-11-01. Review status: criteria provided, single submitter. Criteria: CeGaT Center For Human Genetics Tuebingen Variant Classification Criteria Version 2. Collection method: clinical testing. Allele origin: germline. Affected: yes. Observed: 1 variant allele.
Comment: XPC: PM2:Supporting, BP4, BP7